The following is an entry in ClinVar:

NM_001374353.1(GLI2):c.4591C>T (p.Arg1531Ter)

Gene: GLI2 (GLI family zinc finger 2; plus strand). Cytogenetic location: 2q14.2.
Variant type: single nucleotide variant.
Coding change: c.4591C>T on transcript NM_001374353.1 (MANE Select); coding-DNA position 4591, C replaced by T.
Protein change: p.Arg1531Ter; replaces arginine 1531 with a stop codon.
Molecular consequence: nonsense.
Genome position (GRCh38, 1-based): chr2:120,990,556, C>T. VCF-style: chr2-120990556-C-T. GRCh37 (hg19) VCF-style: chr2-121748132-C-T.
Other names: c.4642C>T, p.Arg1548Ter (NM_001371271.1, NM_005270.5); c.4216C>T, p.Arg1406Ter (NM_001374354.1); short protein forms R1406*, R1531*, R1548*.
Identifiers: ClinVar variation 1208777 (VCV001208777.3), dbSNP rs1237907959, ClinGen allele CA348180160.
Genomic context (GRCh38, chr2:120,990,556, plus strand): 5'-GCTCTGAGCCCCAGCCTCCTCCACAGCCTCTCCCAGAACTCCTCCCGCCTCACCACCCCC[C>T]GAAACTCCTTGACCCTGCCCTCCATCCCCGCAGGCATCAGCAACATGGCTGTCGGGGACA-3'

ClinVar aggregate classification (germline): Likely pathogenic (1 of 4 stars; one submission).

Submission:

GeneDx
Classification: Likely pathogenic. Last evaluated: 2021-06-11. Review status: criteria provided, single submitter. Criteria: GeneDx Variant Classification Process June 2021. Collection method: clinical testing. Allele origin: germline. Affected: yes.
Comment: Nonsense variant in the C-terminus predicted to result in protein truncation, as the last 39 amino acids are lost (Stenson et al., 2014); Not observed at significant frequency in large population cohorts (Lek et al., 2016); Has not been previously published as pathogenic or benign to our knowledge; This variant is associated with the following publications: (PMID: 27535533)